The following is an entry in ClinVar:

ClinVar aggregate classification (germline): Uncertain significance (1 of 4 stars; one submission).

Conditions:
Cardiovascular phenotype. Identifiers: MedGen CN230736.

Allele frequency attached by ClinVar (database versions not stated): TOPMed 0.00001.

Submission:

Ambry Genetics
Classification: Uncertain significance for Cardiovascular phenotype. Last evaluated: 2016-10-06. Review status: criteria provided, single submitter. Criteria: Ambry Variant Classification Scheme 2023. Collection method: clinical testing. Allele origin: germline.
Comment: The p.S120L variant (also known as c.359C>T), located in coding exon 4 of the TRPM4 gene, results from a C to T substitution at nucleotide position 359. The serine at codon 120 is replaced by leucine, an amino acid with dissimilar properties. This variant was not reported in population based cohorts in the following databases: Database of Single Nucleotide Polymorphisms (dbSNP), NHLBI Exome Sequencing Project (ESP), and 1000 Genomes Project. In the ESP, this variant was not observed in 6503 samples (13006 alleles) with coverage at this position. This amino acid position is highly conserved in available vertebrate species. In addition, the in silico prediction for this alteration is inconclusive. Since supporting evidence is limited at this time, the clinical significance of this alteration remains unclear.

NM_017636.4(TRPM4):c.359C>T (p.Ser120Leu)

Gene: TRPM4 (transient receptor potential cation channel subfamily M member 4; plus strand). Cytogenetic location: 19q13.33.
Variant type: single nucleotide variant.
Coding change: c.359C>T on transcript NM_017636.4 (MANE Select); coding-DNA position 359, C replaced by T.
Protein change: p.Ser120Leu; replaces serine 120 with leucine.
Molecular consequence: missense variant. On other transcripts: intron variant (4).
Genome position (GRCh38, 1-based): chr19:49,168,008, C>T. VCF-style: chr19-49168008-C-T. GRCh37 (hg19) VCF-style: chr19-49671265-C-T.
Other names: c.359C>T, p.Ser120Leu (NM_001195227.2); c.-1105-252C>T (NM_001321282.2); c.268-545C>T (NM_001321281.2); c.-74-252C>T (NM_001321283.2); c.-237-545C>T (NM_001321285.2); short protein forms S120L.
Identifiers: ClinVar variation 518571 (VCV000518571.5), dbSNP rs1371723074, ClinGen allele CA406790280.